The following is an entry in ClinVar:

ClinVar aggregate classification (germline): Benign. Review status: criteria provided, multiple submitters, no conflicts (2 of 4 stars). 4 submissions from 4 submitters: Benign (4). Last evaluated 2026-02-01.

Allele frequency attached by ClinVar (database versions not stated): gnomAD exomes 0.00131 and 0.00383; ExAC 0.00468; gnomAD 0.01302 and 0.01392; ESP Exome Variant Server 0.01399; TOPMed 0.01496; 1000 Genomes Project 0.01558; 1000 Genomes Project 30x 0.01796.
gnomAD v4.1: 3,950 of 1,614,096 alleles (0.24%); highest among the groups gnomAD compares: African/African-American, 4.4%; 69 homozygotes.

Submissions (4):

Labcorp Genetics (formerly Invitae), Labcorp
Classification: Benign. Last evaluated: 2026-02-01. Review status: criteria provided, single submitter. Criteria: Invitae Variant Classification Sherloc (09022015). Collection method: clinical testing. Allele origin: germline.

Mayo Clinic Laboratories, Mayo Clinic
Classification: Benign. Last evaluated: 2024-10-07. Review status: criteria provided, single submitter. Criteria: ACMG Guidelines, 2015. Collection method: clinical testing. Allele origin: germline. Observed: 2 variant alleles.
Comment: BS1, BS2, BP4

Laboratory for Molecular Medicine, Mass General Brigham Personalized Medicine
Classification: Benign. Last evaluated: 2016-03-29. Review status: criteria provided, single submitter. Criteria: LMM Criteria. Collection method: clinical testing. Allele origin: germline.
Comment: Variant identified in a genome or exome case(s) and assessed due to predicted null impact of the variant or pathogenic assertions in the literature or databases. Disclaimer: This variant has not undergone full assessment. The following are preliminary notes: Frequency

Breakthrough Genomics
Classification: Benign. Review status: criteria provided, single submitter. Criteria: ACMG Guidelines, 2015. Collection method: not provided. Allele origin: germline. Inheritance: Autosomal dominant inheritance. Affected: yes.

NM_018417.6(ADCY10):c.3542A>G (p.Asn1181Ser)

Gene: ADCY10 (adenylate cyclase 10; minus strand). Cytogenetic location: 1q24.2.
Variant type: single nucleotide variant.
Coding change: c.3542A>G on transcript NM_018417.6 (MANE Select); coding-DNA position 3542, A replaced by G.
Protein change: p.Asn1181Ser; replaces asparagine 1181 with serine.
Molecular consequence: missense variant.
Genome position (GRCh38, 1-based): chr1:167,833,038, T>C on the plus strand (A>G on the coding strand, the complement: ADCY10 is on the minus strand). VCF-style: chr1-167833038-T-C. GRCh37 (hg19) VCF-style: chr1-167802276-T-C.
Other names: c.3083A>G, p.Asn1028Ser (NM_001167749.3); c.3266A>G, p.Asn1089Ser (NM_001297772.2); short protein forms N1181S, N1028S, N1089S.
Identifiers: ClinVar variation 402343 (VCV000402343.15), dbSNP rs116510137, ClinGen allele CA1227326.